The following is an entry in ClinVar:

ClinVar aggregate classification (germline): Uncertain significance (1 of 4 stars; one submission).

gnomAD v4.1: 3 of 1,614,132 alleles (0.00019%); highest among the groups gnomAD compares: Non-Finnish European, 0.000085%; no homozygotes.

Submission:

Labcorp Genetics (formerly Invitae), Labcorp
Classification: Uncertain significance. Last evaluated: 2025-04-21. Review status: criteria provided, single submitter. Criteria: Invitae Variant Classification Sherloc (09022015). Collection method: clinical testing. Allele origin: germline.
Comment: This sequence change replaces arginine, which is basic and polar, with lysine, which is basic and polar, at codon 540 of the ARMC9 protein (p.Arg540Lys). This variant is present in population databases (rs771718132, gnomAD no frequency). This variant has not been reported in the literature in individuals affected with ARMC9-related conditions. An algorithm developed to predict the effect of missense changes on protein structure and function outputs the following: PolyPhen-2: "Not Available". The lysine amino acid residue is found in multiple mammalian species, which suggests that this missense change does not adversely affect protein function. In summary, the available evidence is currently insufficient to determine the role of this variant in disease. Therefore, it has been classified as a Variant of Uncertain Significance.

NM_001352754.2(ARMC9):c.1619G>A (p.Arg540Lys)

Gene: ARMC9 (armadillo repeat containing 9; plus strand). Cytogenetic location: 2q37.1.
Variant type: single nucleotide variant.
Coding change: c.1619G>A on transcript NM_001352754.2 (MANE Select); coding-DNA position 1619, G replaced by A.
Protein change: p.Arg540Lys; replaces arginine 540 with lysine.
Molecular consequence: missense variant. On other transcripts: non-coding transcript variant (1).
Genome position (GRCh38, 1-based): chr2:231,282,126, G>A. VCF-style: chr2-231282126-G-A. GRCh37 (hg19) VCF-style: chr2-232146839-G-A.
Other names: c.1619G>A, p.Arg540Lys (NM_001271466.4, NM_001291656.2, NM_001352755.2 and 3 more transcripts); c.1520G>A, p.Arg507Lys (NM_001352757.2, NM_001352758.2); short protein forms R540K, R507K.
Identifiers: ClinVar variation 4760814 (VCV004760814.1).
Genomic context (GRCh38, chr2:231,282,126, plus strand): 5'-CGTATGTGAATGGAGCTCTGTACAGCATCCTTTCTGTTCCATCCATTCGTGAGGAAGCAA[G>A]AGCAATGGTAAGAAAGCGTGCCTGAGAAACATGTGAGCTTCCTTTAGTGCCACAGTTCAG-3'
Protein context (NP_001339683.2, residues 530-550): LSVPSIREEA[Arg540Lys]AMGMEDILRC